The following is an entry in ClinVar:

ClinVar aggregate classification (germline): Uncertain significance. Review status: criteria provided, multiple submitters, no conflicts (2 of 4 stars). 2 submissions from 2 submitters: Uncertain significance (2). Last evaluated 2024-12-24.

Conditions:
Microphthalmia with brain and digit anomalies (MCOPS6). Also called: MICROPHTHALMIA AND PITUITARY ANOMALIES; Microphthalmia, syndromic 6. Identifiers: Orphanet 139471, MedGen C1864689, MONDO:0011936, OMIM 607932.
Orofacial cleft 11 (OFC11). Also called: Orofacial cleft 11; ofc11; CLEFT LIP WITH OR WITHOUT CLEFT PALATE, NONSYNDROMIC, 11. Identifiers: MedGen C2677434, MONDO:0010906, OMIM 600625.

gnomAD v4.1: 8 of 1,613,942 alleles (0.0005%); highest among the groups gnomAD compares: Admixed American, 0.013%; no homozygotes.

Submissions (2):

Labcorp Genetics (formerly Invitae), Labcorp
Classification: Uncertain significance for Microphthalmia with brain and digit anomalies; Orofacial cleft 11. Last evaluated: 2024-12-24. Review status: criteria provided, single submitter. Criteria: Invitae Variant Classification Sherloc (09022015). Collection method: clinical testing. Allele origin: germline.
Comment: This sequence change replaces serine, which is neutral and polar, with alanine, which is neutral and non-polar, at codon 298 of the BMP4 protein (p.Ser298Ala). This variant is present in population databases (rs763183438, gnomAD 0.01%). This variant has not been reported in the literature in individuals affected with BMP4-related conditions. Invitae Evidence Modeling of protein sequence and biophysical properties (such as structural, functional, and spatial information, amino acid conservation, physicochemical variation, residue mobility, and thermodynamic stability) indicates that this missense variant is not expected to disrupt BMP4 protein function with a negative predictive value of 80%. In summary, the available evidence is currently insufficient to determine the role of this variant in disease. Therefore, it has been classified as a Variant of Uncertain Significance.

Fulgent Genetics
Classification: Uncertain significance for Orofacial cleft 11; Microphthalmia with brain and digit anomalies. Last evaluated: 2024-05-16. Review status: criteria provided, single submitter. Criteria: ACMG Guidelines, 2015. Collection method: clinical testing. Allele origin: germline.

NM_001202.6(BMP4):c.892T>G (p.Ser298Ala)

Gene: BMP4 (bone morphogenetic protein 4; minus strand). Cytogenetic location: 14q22.2.
Variant type: single nucleotide variant.
Coding change: c.892T>G on transcript NM_001202.6 (MANE Select); coding-DNA position 892, T replaced by G.
Protein change: p.Ser298Ala; replaces serine 298 with alanine.
Molecular consequence: missense variant.
Genome position (GRCh38, 1-based): chr14:53,950,367, A>C on the plus strand (T>G on the coding strand, the complement: BMP4 is on the minus strand). VCF-style: chr14-53950367-A-C. GRCh37 (hg19) VCF-style: chr14-54417085-A-C.
Other names: c.1033T>G, p.Ser345Ala (NM_001347912.1); c.703T>G, p.Ser235Ala (NM_001347913.2, NM_001347915.2, NM_001347917.1); c.892T>G, p.Ser298Ala (NM_001347914.2, NM_001347916.1, NM_130850.5 and 1 more transcripts); short protein forms S345A, S235A, S298A.
Identifiers: ClinVar variation 3576603 (VCV003576603.3).